The following is an entry in ClinVar:

NM_001031679.3(MSRB3):c.514A>G (p.Ser172Gly)

Gene: MSRB3 (methionine sulfoxide reductase B3; plus strand). Cytogenetic location: 12q14.3.
Variant type: single nucleotide variant.
Coding change: c.514A>G on transcript NM_001031679.3 (MANE Select); coding-DNA position 514, A replaced by G.
Protein change: p.Ser172Gly; replaces serine 172 with glycine.
Molecular consequence: missense variant.
Genome position (GRCh38, 1-based): chr12:65,463,278, A>G. VCF-style: chr12-65463278-A-G. GRCh37 (hg19) VCF-style: chr12-65857058-A-G.
Other names: c.514A>G, p.Ser172Gly (NM_001193460.2, NM_001193461.2); c.535A>G, p.Ser179Gly (NM_198080.4); short protein forms S179G, S172G.
Identifiers: ClinVar variation 4111350 (VCV004111350.2).

ClinVar aggregate classification (germline): Uncertain significance. Review status: criteria provided, multiple submitters, no conflicts (2 of 4 stars). 2 submissions from 2 submitters: Uncertain significance (2). Last evaluated 2026-01-26.

Conditions:
Inborn genetic diseases. Identifiers: MedGen C0950123, MeSH D030342.

gnomAD v4.1: 42 of 1,614,114 alleles (0.0026%); highest among the groups gnomAD compares: South Asian, 0.045%; no homozygotes.

Submissions (2):

GeneDx
Classification: Uncertain significance. Last evaluated: 2026-01-26. Review status: criteria provided, single submitter. Criteria: GeneDx Variant Classification Process June 2021. Collection method: clinical testing. Allele origin: germline.
Comment: In silico analysis suggests that this missense variant does not alter protein structure/function; Has not been previously published as pathogenic or benign to our knowledge

Ambry Genetics
Classification: Uncertain significance for Inborn genetic diseases. Last evaluated: 2025-08-14. Review status: criteria provided, single submitter. Criteria: Ambry Variant Classification Scheme 2023. Collection method: clinical testing. Allele origin: germline.